The following is an entry in ClinVar:

ClinVar aggregate classification (germline): Uncertain significance (1 of 4 stars; one submission).

Conditions:
Catecholaminergic polymorphic ventricular tachycardia 1. Also called: VENTRICULAR TACHYCARDIA, CATECHOLAMINERGIC POLYMORPHIC, 1, WITH OR WITHOUT ATRIAL DYSFUNCTION AND/OR DILATED CARDIOMYOPATHY; RYR2-Related Catecholaminergic Polymorphic Ventricular Tachycardia; VENTRICULAR TACHYCARDIA, STRESS-INDUCED POLYMORPHIC 1. Identifiers: Orphanet 3286, MedGen C1631597, MONDO:0011484, OMIM 604772.

Allele frequency attached by ClinVar (database versions not stated): gnomAD 0.00001.

Submission:

Labcorp Genetics (formerly Invitae), Labcorp
Classification: Uncertain significance for Catecholaminergic polymorphic ventricular tachycardia 1. Last evaluated: 2021-04-13. Review status: criteria provided, single submitter. Criteria: Invitae Variant Classification Sherloc (09022015). Collection method: clinical testing. Allele origin: germline.
Comment: This sequence change affects a donor splice site in intron 20 of the TRDN gene. It is expected to disrupt RNA splicing. Variants that disrupt the donor or acceptor splice site typically lead to a loss of protein function (PMID: 16199547), however the current clinical and genetic evidence is not sufficient to establish whether loss-of-function variants in TRDN cause disease. This variant is not present in population databases (ExAC no frequency). This variant has not been reported in the literature in individuals with TRDN-related conditions. In summary, the available evidence is currently insufficient to determine the role of this variant in disease. Therefore, it has been classified as a Variant of Uncertain Significance.

Literature cited by the submitters: PubMed 16199547.

NM_006073.4(TRDN):c.1321+1G>A

Gene: TRDN (triadin; minus strand). Cytogenetic location: 6q22.31.
Variant type: single nucleotide variant.
Coding change: c.1321+1G>A on transcript NM_006073.4 (MANE Select); the canonical splice donor site of the intron after coding-DNA position 1321, G replaced by A.
Molecular consequence: splice donor variant.
Genome position (GRCh38, 1-based): chr6:123,366,134, C>T on the plus strand (G>A on the coding strand, the complement: TRDN is on the minus strand). VCF-style: chr6-123366134-C-T. GRCh37 (hg19) VCF-style: chr6-123687279-C-T.
Other names: c.1264+1G>A (NM_001407315.1); c.1324+1G>A (NM_001251987.2).
Identifiers: ClinVar variation 1496874 (VCV001496874.9), dbSNP rs775407481, ClinGen allele CA365565886.
Genomic context (GRCh38, chr6:123,366,134, plus strand): 5'-TTAGAAACCTTAGCAGAAATAACTTATAGTTATGACATCTTTATCTTTAAGCTGCATTTA[C>T]CTTTTTTAATTGAAACCGCACCAATCTCCTCTTTGGCTCGTTCAGTTTCTGCAAGTTCAG-3'